The following is an entry in ClinVar:

NM_000051.4(ATM):c.2510C>A (p.Ser837Ter)

Gene: ATM (ATM serine/threonine kinase; plus strand). Cytogenetic location: 11q22.3.
Variant type: single nucleotide variant.
Coding change: c.2510C>A on transcript NM_000051.4 (MANE Select); coding-DNA position 2510, C replaced by A.
Protein change: p.Ser837Ter; replaces serine 837 with a stop codon.
Molecular consequence: nonsense.
Genome position (GRCh38, 1-based): chr11:108,267,214, C>A. VCF-style: chr11-108267214-C-A. GRCh37 (hg19) VCF-style: chr11-108137941-C-A.
Other names: c.2510C>A, p.Ser837Ter (NM_001351834.2); short protein forms S837*.
Identifiers: ClinVar variation 3232462 (VCV003232462.2), dbSNP rs2081303434, ClinGen allele CA382543388.

ClinVar aggregate classification (germline): Pathogenic. Review status: criteria provided, multiple submitters, no conflicts (2 of 4 stars). 2 submissions from 2 submitters: Pathogenic (2). Last evaluated 2024-02-15.

Conditions:
Hereditary cancer-predisposing syndrome. Also called: Neoplastic Syndromes, Hereditary; Tumor predisposition; Hereditary neoplastic syndrome; Hereditary Cancer Syndrome. Identifiers: Orphanet 140162, MedGen C0027672, MeSH D009386, MONDO:0015356.
Familial cancer of breast. Also called: BREAST CANCER, FAMILIAL; Hereditary breast cancer; hereditary breast carcinoma. Identifiers: Orphanet 227535, MedGen C0346153, MONDO:0016419, OMIM 114480. Disease mechanism: loss of function.

Submissions (2):

Baylor Genetics
Classification: Pathogenic for Familial cancer of breast. Last evaluated: 2024-02-15. Review status: criteria provided, single submitter. Criteria: ACMG Guidelines, 2015. Collection method: clinical testing. Allele origin: unknown.

Ambry Genetics
Classification: Pathogenic for Hereditary cancer-predisposing syndrome. Last evaluated: 2023-10-16. Review status: criteria provided, single submitter. Criteria: Ambry Variant Classification Scheme 2023. Collection method: clinical testing. Allele origin: germline.
Comment: The p.S837* pathogenic mutation (also known as c.2510C>A), located in coding exon 16 of the ATM gene, results from a C to A substitution at nucleotide position 2510. This changes the amino acid from a serine to a stop codon within coding exon 16. This variant is considered to be rare based on population cohorts in the Genome Aggregation Database (gnomAD). This alteration is expected to result in loss of function by premature protein truncation or nonsense-mediated mRNA decay. As such, this alteration is interpreted as a disease-causing mutation.